The following is an entry in ClinVar:

NM_007294.4(BRCA1):c.4097G>A (p.Gly1366Asp)

Gene: BRCA1 (BRCA1 DNA repair associated; minus strand). Cytogenetic location: 17q21.31.
Variant type: single nucleotide variant.
Coding change: c.4097G>A on transcript NM_007294.4 (MANE Select); coding-DNA position 4097, G replaced by A.
Protein change: p.Gly1366Asp; replaces glycine 1366 with aspartic acid.
Molecular consequence: missense variant. On other transcripts: non-coding transcript variant (1).
Genome position (GRCh38, 1-based): chr17:43,091,032, C>T on the plus strand (G>A on the coding strand, the complement: BRCA1 is on the minus strand). VCF-style: chr17-43091032-C-T. GRCh37 (hg19) VCF-style: chr17-41243049-C-T.
Other names: c.3884G>A, p.Gly1295Asp (NM_001407571.1, NM_001407894.1, NM_001407915.1 and 9 more transcripts); c.4097G>A, p.Gly1366Asp (NM_001407581.1, NM_001407582.1, NM_001407583.1 and 30 more transcripts); c.4094G>A, p.Gly1365Asp (NM_001407587.1, NM_001407590.1, NM_001407591.1 and 22 more transcripts); c.4019G>A, p.Gly1340Asp (NM_001407656.1, NM_001407657.1, NM_001407658.1 and 4 more transcripts); c.4016G>A, p.Gly1339Asp (NM_001407659.1, NM_001407660.1, NM_001407661.1 and 1 more transcripts); c.3974G>A, p.Gly1325Asp (NM_001407664.1, NM_001407675.1, NM_001407676.1 and 19 more transcripts); c.3956G>A, p.Gly1319Asp (NM_001407695.1, NM_001407696.1, NM_001407697.1 and 29 more transcripts); c.3953G>A, p.Gly1318Asp (NM_001407740.1, NM_001407741.1, NM_001407742.1 and 20 more transcripts); and 40 more; short protein forms G1366D, G1319D, G263D, G1296D, G1299D, G1325D, G1363D, G151D.
Identifiers: ClinVar variation 234236 (VCV000234236.20), dbSNP rs876660948, ClinGen allele CA10580535.

ClinVar aggregate classification (germline): Uncertain significance. Review status: criteria provided, multiple submitters, no conflicts (2 of 4 stars). 5 submissions from 5 submitters: Uncertain significance (5). Last evaluated 2026-09-01.

Conditions:
Breast-ovarian cancer, familial, susceptibility to, 1 (BROVCA1). Also called: BRCA1 Hereditary Breast and Ovarian Cancer; OVARIAN CANCER, SUSCEPTIBILITY TO. Identifiers: Orphanet 145, MedGen C2676676, MONDO:0011450, OMIM 604370. Disease mechanism: loss of function.
Familial cancer of breast. Also called: hereditary breast carcinoma; BREAST CANCER, FAMILIAL; Hereditary breast cancer. Identifiers: Orphanet 227535, MedGen C0346153, MONDO:0016419, OMIM 114480. Disease mechanism: loss of function.
Fanconi anemia, complementation group S (FANCS). Identifiers: MedGen C4554406, MONDO:0054748, OMIM 617883.
Hereditary cancer-predisposing syndrome. Also called: Tumor predisposition; Neoplastic Syndromes, Hereditary; Hereditary Cancer Syndrome; Hereditary neoplastic syndrome. Identifiers: Orphanet 140162, MedGen C0027672, MeSH D009386, MONDO:0015356.
Hereditary breast ovarian cancer syndrome. Also called: Hereditary breast and ovarian cancer; Hereditary breast and ovarian cancer syndrome (HBOC); Breast and ovarian cancer; BRCA1- and BRCA2-Associated Hereditary Breast and Ovarian Cancer; Hereditary breast and ovarian cancer syndrome; Hereditary breast and/or ovarian cancer syndrome. Identifiers: Orphanet 145, MedGen C0677776, MeSH D061325, MONDO:0003582. Disease mechanism: loss of function.

Allele frequency attached by ClinVar (database versions not stated): gnomAD exomes below 0.00001; TOPMed below 0.00001.
gnomAD v4.1: 3 of 1,611,140 alleles (0.00019%); highest among the groups gnomAD compares: Non-Finnish European, 0.00017%; no homozygotes.

Submissions (5):

Ambry Genetics
Classification: Uncertain significance for Hereditary cancer-predisposing syndrome. Last evaluated: 2026-09-01. Review status: criteria provided, single submitter. Criteria: Ambry Variant Classification Scheme 2023. Collection method: clinical testing. Allele origin: germline.
Comment: The p.G1366D variant (also known as c.4097G>A) is located in coding exon 10 of the BRCA1 gene. The glycine at codon 1366 is replaced by aspartic acid, an amino acid with similar properties. This change occurs in the first base pair of coding exon 10. In one functional study, normal mRNA splicing was observed for this alteration and sequence analysis of cDNA revealed bi-allelic expression of normal transcript (Colombo M et al. PLoS One, 2013 Feb;8:e57173). This amino acid position is well conserved in available vertebrate species. In addition, the in silico prediction for this alteration is inconclusive. Based on the available evidence, the clinical significance of this variant remains unclear.

Labcorp Genetics (formerly Invitae), Labcorp
Classification: Uncertain significance for Hereditary breast ovarian cancer syndrome. Last evaluated: 2025-04-29. Review status: criteria provided, single submitter. Criteria: Invitae Variant Classification Sherloc (09022015). Collection method: clinical testing. Allele origin: germline.
Comment: This sequence change replaces glycine, which is neutral and non-polar, with aspartic acid, which is acidic and polar, at codon 1366 of the BRCA1 protein (p.Gly1366Asp). This variant is not present in population databases (gnomAD no frequency). This variant has not been reported in the literature in individuals affected with BRCA1-related conditions. ClinVar contains an entry for this variant (Variation ID: 234236). An algorithm developed to predict the effect of missense changes on protein structure and function outputs the following: PolyPhen-2: "Benign". The aspartic acid amino acid residue is found in multiple mammalian species, which suggests that this missense change does not adversely affect protein function. RNA analysis performed to evaluate the impact of this missense change on mRNA splicing indicates it does not significantly alter splicing (PMID: 23451180; internal data). In summary, the available evidence is currently insufficient to determine the role of this variant in disease. Therefore, it has been classified as a Variant of Uncertain Significance.

Department of Pathology and Laboratory Medicine, Sinai Health System
Classification: Uncertain significance for Familial cancer of breast; Breast-ovarian cancer, familial, susceptibility to, 1; Fanconi anemia, complementation group S. Last evaluated: 2023-03-16. Review status: criteria provided, single submitter. Criteria: ACMG Guidelines, 2015. Collection method: clinical testing. Allele origin: germline. Affected: yes.

All of Us Research Program, National Institutes of Health
Classification: Uncertain significance for Breast-ovarian cancer, familial, susceptibility to, 1. Last evaluated: 2023-03-04. Review status: criteria provided, single submitter. Criteria: ACMG Guidelines, 2015. Collection method: clinical testing. Allele origin: germline. Inheritance: Autosomal dominant inheritance. Observed: 1 variant allele, 1 heterozygote.
Comment: This missense variant replaces glycine with aspartic acid at codon 1366 of the BRCA1 protein. Computational prediction is inconclusive regarding the impact of this variant on protein structure and function (internally defined REVEL score threshold 0.5 < inconclusive < 0.7, PMID: 27666373). A functional study has shown this variant had no impact on mRNA splicing and demonstrated bi-allelic expression of the normal transcript (PMID: 23451180). This variant has not been reported in individuals affected with hereditary cancer in the literature. This variant has not been identified in the general population by the Genome Aggregation Database (gnomAD). The available evidence is insufficient to determine the role of this variant in disease conclusively. Therefore, this variant is classified as a Variant of Uncertain Significance.

This study involves interpretation of variants in research participants for the purpose of population health screening. Participant phenotype was not available at the time of variant classification. Additional details can be found in publication PMID: 35346344, PMCID: PMC8962531

Women's Health and Genetics/Laboratory Corporation of America, LabCorp
Classification: Uncertain significance. Last evaluated: 2021-04-19. Review status: criteria provided, single submitter. Criteria: LabCorp Variant Classification Summary - May 2015. Collection method: clinical testing. Allele origin: germline.
Comment: Variant summary: BRCA1 c.4097G>A (p.Gly1366Asp) results in a non-conservative amino acid change in the encoded protein sequence. Three of four in-silico tools predict a benign effect of the variant on protein function. The variant also alters a conserved first coding nucleotide of exon 11 adjacent to the penultimate intronic canonical splice acceptor site. 4/4 computational tools predict no significant impact on normal splicing. An additional prediction protocol named splicing prediction in consensus elements (SPiCE) has also reported no impact on splicing (Leman_2018). Consistently, the variant was not reported to be associated with an impact on mRNA splicing using an in-vitro assay (Colombo_2013). The variant was absent in 247322 control chromosomes. The available data on variant occurrences in the general population are insufficient to allow any conclusion about variant significance. To our knowledge, no occurrence of c.4097G>A in individuals affected with Hereditary Breast And Ovarian Cancer Syndrome and no experimental evidence demonstrating its impact on protein function have been reported. Two clinical diagnostic laboratories have submitted clinical-significance assessments for this variant to ClinVar after 2014 without evidence for independent evaluation. All laboratories classified the variant as uncertain significance. Based on the evidence outlined above, the variant was classified as uncertain significance.

Literature cited by the submitters: PubMed 23451180 (cited by 5 submitters); PubMed 29750258 (cited by Women's Health and Genetics/Laboratory Corporation of America, LabCorp).